The following is an entry in ClinVar:

ClinVar aggregate classification (germline): Conflicting classifications of pathogenicity. Review status: criteria provided, conflicting classifications (1 of 4 stars). 3 submissions from 3 submitters: Likely pathogenic (1); Uncertain significance (2). Last evaluated 2025-08-22.

Conditions:
Hereditary pheochromocytoma and paraganglioma. Also called: Hereditary Paraganglioma-Pheochromocytoma Syndromes; Hereditary paragangliomas and pheochromocytomas; Hereditary pheochromocytoma-paraganglioma. Identifiers: Orphanet 29072, MedGen C4274332, MONDO:0017366.
Pheochromocytoma/paraganglioma syndrome 3. Also called: GLOMUS TUMORS, FAMILIAL, 3; Paragangliomas 3; SDHC-Related Hereditary Paraganglioma-Pheochromocytoma Syndrome (Paragangliomas 3); SDHC-Related Hereditary Paraganglioma-Pheochromocytoma Syndrome. Identifiers: Orphanet 29072, MedGen C1854336, MONDO:0011544, OMIM 605373.
Gastrointestinal stromal tumor. Also called: Gastrointestinal stromal tumor, somatic; Gastrointestinal stroma tumor. Identifiers: Orphanet 44890, MedGen C0238198, MeSH D046152, MONDO:0011719, OMIM 606764, HP:0100723.
Hereditary cancer-predisposing syndrome. Also called: Neoplastic Syndromes, Hereditary; Tumor predisposition; Hereditary Cancer Syndrome; Hereditary neoplastic syndrome. Identifiers: Orphanet 140162, MedGen C0027672, MeSH D009386, MONDO:0015356.

Submissions (3):

Ambry Genetics
Classification: Likely pathogenic for Hereditary cancer-predisposing syndrome. Last evaluated: 2025-08-22. Review status: criteria provided, single submitter. Criteria: Ambry Variant Classification Scheme 2023. Collection method: clinical testing. Allele origin: germline.
Comment: The p.P54S variant (also known as c.160C>T), located in coding exon 3 of the SDHC gene, results from a C to T substitution at nucleotide position 160. The proline at codon 54 is replaced by serine, an amino acid with similar properties. Another alteration at the same codon, p.P54T (c.160C>A), has been detected in multiple individuals with paragangliomas (Ambry internal data). Based on internal structural analysis, P54S destabilizes the SDHC-SDHB interface to a higher degree than a nearby pathogenic variant (Zhou Q et al. Protein Cell, 2011 Jul;2:531-42; Inaoka DK et al. Int J Mol Sci, 2015 Jul;16:15287-308). This variant is considered to be rare based on population cohorts in the Genome Aggregation Database (gnomAD). This amino acid position is highly conserved in available vertebrate species. In addition, this alteration is predicted to be deleterious by in silico analysis. Based on the majority of available evidence to date, this variant is likely to be pathogenic.

Labcorp Genetics (formerly Invitae), Labcorp
Classification: Uncertain significance for Pheochromocytoma/paraganglioma syndrome 3; Gastrointestinal stromal tumor. Last evaluated: 2023-05-21. Review status: criteria provided, single submitter. Criteria: Invitae Variant Classification Sherloc (09022015). Collection method: clinical testing. Allele origin: germline.
Comment: In summary, the available evidence is currently insufficient to determine the role of this variant in disease. Therefore, it has been classified as a Variant of Uncertain Significance. This variant disrupts the p.Pro54 amino acid residue in SDHC. Other variant(s) that disrupt this residue have been determined to be pathogenic (Invitae; external communication). This suggests that this residue is clinically significant, and that variants that disrupt this residue are likely to be disease-causing. An algorithm developed to predict the effect of missense changes on protein structure and function (PolyPhen-2) suggests that this variant is likely to be disruptive. ClinVar contains an entry for this variant (Variation ID: 1776361). This variant has not been reported in the literature in individuals affected with SDHC-related conditions. This variant is not present in population databases (gnomAD no frequency). This sequence change replaces proline, which is neutral and non-polar, with serine, which is neutral and polar, at codon 54 of the SDHC protein (p.Pro54Ser).

All of Us Research Program, National Institutes of Health
Classification: Uncertain significance for Hereditary pheochromocytoma and paraganglioma. Last evaluated: 2023-02-24. Review status: criteria provided, single submitter. Criteria: ACMG Guidelines, 2015. Collection method: clinical testing. Allele origin: germline. Inheritance: Autosomal dominant inheritance. Observed: 1 variant allele, 1 heterozygote.
Comment: This missense variant replaces proline with serine at codon 54 of the SDHC protein. Computational prediction suggests that this variant may have deleterious impact on protein structure and function (internally defined REVEL score threshold >= 0.7, PMID: 27666373). To our knowledge, functional studies have not been reported for this variant. This variant has not been reported in individuals affected with SDHC-related disorders in the literature. This variant has not been identified in the general population by the Genome Aggregation Database (gnomAD). The available evidence is insufficient to determine the role of this variant in disease conclusively. Therefore, this variant is classified as a Variant of Uncertain Significance.

This study involves interpretation of variants in research participants for the purpose of population health screening. Participant phenotype was not available at the time of variant classification. Additional details can be found in publication PMID: 35346344, PMCID: PMC8962531

Literature cited by the submitters: PubMed 21822798 (cited by Ambry Genetics); PubMed 26198225 (cited by Ambry Genetics).

NM_003001.5(SDHC):c.160C>T (p.Pro54Ser)

Gene: SDHC (succinate dehydrogenase complex subunit C; plus strand). Cytogenetic location: 1q23.3.
Variant type: single nucleotide variant.
Coding change: c.160C>T on transcript NM_003001.5 (MANE Select); coding-DNA position 160, C replaced by T.
Protein change: p.Pro54Ser; replaces proline 54 with serine.
Molecular consequence: missense variant. On other transcripts: non-coding transcript variant (1), intron variant (4).
Genome position (GRCh38, 1-based): chr1:161,328,478, C>T. VCF-style: chr1-161328478-C-T. GRCh37 (hg19) VCF-style: chr1-161298268-C-T.
Other names: c.160C>T, p.Pro54Ser (NM_001035511.3, NM_001407115.1); c.103C>T, p.Pro35Ser (NM_001407116.1, NM_001407117.1, NM_001407121.1); c.49C>T, p.Pro17Ser (NM_001407119.1, NM_001407120.1); c.77+4808C>T (NM_001035512.3, NM_001278172.3, NM_001407118.1); c.21-12116C>T (NM_001035513.3); short protein forms P17S, P35S, P54S.
Identifiers: ClinVar variation 1776361 (VCV001776361.7), dbSNP rs1553262444, ClinGen allele CA343361283.